The following is an entry in ClinVar:

NM_004304.5(ALK):c.2529A>C (p.Gly843=)

Gene: ALK (ALK receptor tyrosine kinase; minus strand). Cytogenetic location: 2p23.2.
Variant type: single nucleotide variant.
Coding change: c.2529A>C on transcript NM_004304.5 (MANE Select); coding-DNA position 2529, A replaced by C.
Protein change: p.Gly843=; no amino-acid change (glycine 843 retained).
Molecular consequence: synonymous variant.
Genome position (GRCh38, 1-based): chr2:29,232,407, T>G on the plus strand (A>C on the coding strand, the complement: ALK is on the minus strand). VCF-style: chr2-29232407-T-G. GRCh37 (hg19) VCF-style: chr2-29455273-T-G.
Identifiers: ClinVar variation 4084238 (VCV004084238.8).

ClinVar aggregate classification (germline): Likely benign (1 of 4 stars; one submission).

Submission:

CeGaT Center for Human Genetics Tuebingen
Classification: Likely benign. Last evaluated: 2025-08-01. Review status: criteria provided, single submitter. Criteria: CeGaT Center For Human Genetics Tuebingen Variant Classification Criteria Version 2. Collection method: clinical testing. Allele origin: germline. Affected: yes. Observed: 1 variant allele.
Comment: ALK: PM2:Supporting, BP4, BP7